The following is an entry in ClinVar:

NM_001374828.1(ARID1B):c.4693G>T (p.Gly1565Ter)

Gene: ARID1B (AT-rich interaction domain 1B; plus strand). Cytogenetic location: 6q25.3.
Variant type: single nucleotide variant.
Coding change: c.4693G>T on transcript NM_001374828.1 (MANE Select); coding-DNA position 4693, G replaced by T.
Protein change: p.Gly1565Ter; replaces glycine 1565 with a stop codon.
Molecular consequence: nonsense.
Genome position (GRCh38, 1-based): chr6:157,200,918, G>T. VCF-style: chr6-157200918-G-T. GRCh37 (hg19) VCF-style: chr6-157522052-G-T.
Other names: c.2194G>T, p.Gly732Ter (NM_001363725.2); c.4573G>T, p.Gly1525Ter (NM_001371656.1, NM_001374820.1); c.4534G>T, p.Gly1512Ter (NM_017519.3); c.4324G>T, p.Gly1442Ter (NM_020732.3); short protein forms G1442*, G732*, G1512*, G1525*, G1565*.
Identifiers: ClinVar variation 489010 (VCV000489010.3), dbSNP rs779375711, ClinGen allele CA366241226.

ClinVar aggregate classification (germline): Pathogenic (1 of 4 stars; one submission).

Submission:

GeneDx
Classification: Pathogenic. Last evaluated: 2019-04-18. Review status: criteria provided, single submitter. Criteria: GeneDx Variant Classification Process June 2021. Collection method: clinical testing. Allele origin: germline. Affected: yes.
Comment: Nonsense variant predicted to result in nonsense mediated decay in a gene for which loss-of-function is a known mechanism of disease; Not observed in large population cohorts (Lek et al., 2016); Has not been previously published as pathogenic or benign to our knowledge